The following is an entry in ClinVar:

ClinVar aggregate classification (germline): Likely benign (1 of 4 stars; one submission).

Submission:

CeGaT Center for Human Genetics Tuebingen
Classification: Likely benign. Last evaluated: 2025-02-01. Review status: criteria provided, single submitter. Criteria: CeGaT Center For Human Genetics Tuebingen Variant Classification Criteria Version 2. Collection method: clinical testing. Allele origin: germline. Affected: yes. Observed: 1 variant allele.
Comment: MUC22: PM2:Supporting, BP4, BP7

NM_001395414.1(MUC22):c.4128T>C (p.Thr1376=)

Gene: MUC22 (mucin 22; plus strand). Cytogenetic location: 6p21.33.
Variant type: single nucleotide variant.
Coding change: c.4128T>C on transcript NM_001395414.1 (MANE Select); coding-DNA position 4128, T replaced by C.
Protein change: p.Thr1376=; no amino-acid change (threonine 1376 retained).
Molecular consequence: synonymous variant.
Genome position (GRCh38, 1-based): chr6:31,029,559, T>C. VCF-style: chr6-31029559-T-C. GRCh37 (hg19) VCF-style: chr6-30997336-T-C.
Other names: c.4128T>C, p.Thr1376= (NM_001198815.1); c.4137T>C, p.Thr1379= (NM_001318484.1).
Identifiers: ClinVar variation 3771331 (VCV003771331.13).